The following is an entry in ClinVar:

NM_013336.4(SEC61A1):c.75+3A>G

Gene: SEC61A1 (SEC61 translocon subunit alpha 1; plus strand). Cytogenetic location: 3q21.3.
Variant type: single nucleotide variant.
Coding change: c.75+3A>G on transcript NM_013336.4 (MANE Select); 3 bases into the intron after coding-DNA position 75, A replaced by G.
Molecular consequence: intron variant.
Genome position (GRCh38, 1-based): chr3:128,052,905, A>G. VCF-style: chr3-128052905-A-G. GRCh37 (hg19) VCF-style: chr3-127771748-A-G.
Identifiers: ClinVar variation 1462866 (VCV001462866.6), dbSNP rs1024958907, ClinGen allele CA83344600.

ClinVar aggregate classification (germline): Uncertain significance (1 of 4 stars; one submission).

Allele frequency attached by ClinVar (database versions not stated): gnomAD exomes below 0.00001.
gnomAD v4.1: 2 of 1,609,836 alleles (0.00012%); highest among the groups gnomAD compares: Non-Finnish European, 0.00017%; no homozygotes.

Submission:

Labcorp Genetics (formerly Invitae), Labcorp
Classification: Uncertain significance. Last evaluated: 2023-07-17. Review status: criteria provided, single submitter. Criteria: Invitae Variant Classification Sherloc (09022015). Collection method: clinical testing. Allele origin: germline.
Comment: Variants that disrupt the consensus splice site are a relatively common cause of aberrant splicing (PMID: 17576681, 9536098). Algorithms developed to predict the effect of sequence changes on RNA splicing suggest that this variant is not likely to affect RNA splicing. ClinVar contains an entry for this variant (Variation ID: 1462866). This variant has not been reported in the literature in individuals affected with SEC61A1-related conditions. This variant is present in population databases (no rsID available, gnomAD 0.0009%). This sequence change falls in intron 2 of the SEC61A1 gene. It does not directly change the encoded amino acid sequence of the SEC61A1 protein. It affects a nucleotide within the consensus splice site. In summary, the available evidence is currently insufficient to determine the role of this variant in disease. Therefore, it has been classified as a Variant of Uncertain Significance.

Literature cited by the submitters: PubMed 17576681; PubMed 9536098.